The following is an entry in ClinVar:

ClinVar aggregate classification (germline): Likely pathogenic (1 of 4 stars; one submission).

gnomAD v4.1: 33 of 1,503,428 alleles (0.0022%); highest among the groups gnomAD compares: East Asian, 0.012%; no homozygotes.

Submission:

Dasa
Classification: Likely pathogenic. Last evaluated: 2026-04-16. Review status: criteria provided, single submitter. Criteria: DASA Assertion Criteria. Collection method: clinical testing. Allele origin: germline.
Comment: NM_000479.5(AMH):c.367C>T (p.Arg123Trp) is a missense variant that results in the substitution of arginine with tryptophan. This variant has been recurrently observed in individuals with AMH-related disorders (PMID: 36626890; PMID: 25248670). Also, this variant is rare in population databases. Based on the currently available evidence, this variant is classified as likely pathogenic.

Literature cited by the submitters: PubMed 36626890; PubMed 25248670.

NM_000479.5(AMH):c.367C>T (p.Arg123Trp)

Gene: AMH (anti-Mullerian hormone; plus strand). Cytogenetic location: 19p13.3.
Variant type: single nucleotide variant.
Coding change: c.367C>T on transcript NM_000479.5 (MANE Select); coding-DNA position 367, C replaced by T.
Protein change: p.Arg123Trp; replaces arginine 123 with tryptophan.
Molecular consequence: missense variant.
Genome position (GRCh38, 1-based): chr19:2,249,699, C>T. VCF-style: chr19-2249699-C-T. GRCh37 (hg19) VCF-style: chr19-2249698-C-T.
Other names: short protein forms R123W.
Identifiers: ClinVar variation 4884217 (VCV004884217.2).